The following is an entry in ClinVar:

NM_015506.3(MMACHC):c.276+2T>C

Gene: MMACHC (metabolism of cobalamin associated C; plus strand). Cytogenetic location: 1p34.1.
Variant type: single nucleotide variant.
Coding change: c.276+2T>C on transcript NM_015506.3 (MANE Select); the canonical splice donor site of the intron after coding-DNA position 276, T replaced by C.
Molecular consequence: splice donor variant.
Genome position (GRCh38, 1-based): chr1:45,507,552, T>C. VCF-style: chr1-45507552-T-C. GRCh37 (hg19) VCF-style: chr1-45973224-T-C.
Other names: c.105+2T>C (NM_001330540.2).
Identifiers: ClinVar variation 2075585 (VCV002075585.4), dbSNP rs2522820794, ClinGen allele CA340132080.

ClinVar aggregate classification (germline): Likely pathogenic (1 of 4 stars; one submission).

Conditions:
Cobalamin C disease. Also called: Methylmalonic aciduria with homocystinuria cblC type; Cobalamin-C methylmalonic acidemia and homocystinuria; Methylmalonic acidemia and homocystinuria cblC type; Methylmalonic aciduria and homocystinuria, Vitamin B12-responsive; Vitamin B12 metabolic defect with combined deficiency of methylmalonyl-CoA mutase and homocysteine:methyltetrahydrofolate methyltransferase; methylmalonic aciduria and homocystinuria type cblC. Identifiers: Orphanet 26, Orphanet 79282, MedGen C1848561, MONDO:0010184, OMIM 277400.

Submission:

Labcorp Genetics (formerly Invitae), Labcorp
Classification: Likely pathogenic for Cobalamin C disease. Last evaluated: 2022-10-12. Review status: criteria provided, single submitter. Criteria: Invitae Variant Classification Sherloc (09022015). Collection method: clinical testing. Allele origin: germline.
Comment: This sequence change affects a donor splice site in intron 2 of the MMACHC gene. It is expected to disrupt RNA splicing. Variants that disrupt the donor or acceptor splice site typically lead to a loss of protein function (PMID: 16199547), and loss-of-function variants in MMACHC are known to be pathogenic (PMID: 16311595). This variant is not present in population databases (gnomAD no frequency). In summary, the currently available evidence indicates that the variant is pathogenic, but additional data are needed to prove that conclusively. Therefore, this variant has been classified as Likely Pathogenic. Algorithms developed to predict the effect of sequence changes on RNA splicing suggest that this variant may disrupt the consensus splice site. This variant has not been reported in the literature in individuals affected with MMACHC-related conditions.

Literature cited by the submitters: PubMed 16199547; PubMed 16311595.